The following is an entry in ClinVar:

NM_000548.5(TSC2):c.871C>T (p.Leu291=)

Gene: TSC2 (TSC complex subunit 2; plus strand). Cytogenetic location: 16p13.3.
Variant type: single nucleotide variant.
Coding change: c.871C>T on transcript NM_000548.5 (MANE Select); coding-DNA position 871, C replaced by T.
Protein change: p.Leu291=; no amino-acid change (leucine 291 retained).
Molecular consequence: synonymous variant.
Genome position (GRCh38, 1-based): chr16:2,058,769, C>T. VCF-style: chr16-2058769-C-T. GRCh37 (hg19) VCF-style: chr16-2108770-C-T.
Other names: c.871C>T, p.Leu291= (NM_001077183.3, NM_001114382.3, NM_001363528.2 and 3 more transcripts); c.760C>T, p.Leu254= (NM_001318827.2); c.724C>T, p.Leu242= (NM_001318829.2); c.271C>T, p.Leu91= (NM_001318831.2); c.904C>T, p.Leu302= (NM_001318832.2).
Identifiers: ClinVar variation 49391 (VCV000049391.12), dbSNP rs45517137, ClinGen allele CA023067.

ClinVar aggregate classification (germline): Benign/Likely benign. Review status: criteria provided, multiple submitters, no conflicts (2 of 4 stars). 5 submissions from 5 submitters: Benign (1); Likely benign (3). 1 of the submissions does not count toward it. Last evaluated 2025-06-27.

Conditions:
Tuberous sclerosis syndrome (TSC). Also called: Tuberous Sclerosis Complex; Tuberous sclerosis. Identifiers: Orphanet 805, MedGen C0041341, MONDO:0001734.
Tuberous sclerosis 2 (TSC2). Identifiers: Orphanet 805, MedGen C1860707, MONDO:0013199, OMIM 613254.
Hereditary cancer-predisposing syndrome. Also called: Neoplastic Syndromes, Hereditary; Tumor predisposition; Hereditary Cancer Syndrome; Hereditary neoplastic syndrome. Identifiers: Orphanet 140162, MedGen C0027672, MeSH D009386, MONDO:0015356.

Allele frequency attached by ClinVar (database versions not stated): TOPMed below 0.00001; gnomAD 0.00001.

Submissions (5):

Labcorp Genetics (formerly Invitae), Labcorp
Classification: Likely benign for Tuberous sclerosis 2. Last evaluated: 2025-06-27. Review status: criteria provided, single submitter. Criteria: Invitae Variant Classification Sherloc (09022015). Collection method: clinical testing. Allele origin: germline.

Ambry Genetics
Classification: Likely benign for Hereditary cancer-predisposing syndrome. Last evaluated: 2025-05-27. Review status: criteria provided, single submitter. Criteria: Ambry Variant Classification Scheme 2023. Collection method: clinical testing. Allele origin: germline.

Myriad Genetics, Inc.
Classification: Benign for Tuberous sclerosis 2. Last evaluated: 2025-05-12. Review status: criteria provided, single submitter. Criteria: Myriad Autosomal Dominant, Autosomal Recessive and X-Linked Classification Criteria (2023). Collection method: clinical testing. Allele origin: unknown.
Comment: This variant is considered benign. This variant is a silent/synonymous amino acid change and it is not expected to impact splicing.

Quest Diagnostics Nichols Institute San Juan Capistrano
Classification: Likely benign. Last evaluated: 2024-12-06. Review status: criteria provided, single submitter. Criteria: Quest Diagnostics criteria. Collection method: clinical testing. Allele origin: unknown.

Tuberous sclerosis database (TSC2)
No classification provided. Condition: TSC. Review status: no classification provided. Criteria: Tuberous Sclerosis Database Assertion Criteria 2015. Collection method: curation. Allele origin: germline. Affected: yes. Not counted in ClinVar's aggregate classification.